The following is an entry in ClinVar:

ClinVar aggregate classification (germline): Pathogenic. Review status: criteria provided, multiple submitters, no conflicts (2 of 4 stars). 5 submissions from 5 submitters: Pathogenic (4). 1 of the submissions does not count toward it. Last evaluated 2026-01-24.

Conditions:
Fanconi anemia (FA). Also called: Fanconi's anemia. Identifiers: Orphanet 84, MedGen C0015625, MeSH D005199, MONDO:0019391.
Fanconi anemia complementation group A (FANCA). Also called: Fanconi anemia, group A; FANCA-Related Fanconi Anemia. Identifiers: Orphanet 84, MedGen C3469521, MONDO:0009215, OMIM 227650.

gnomAD v4.1: 3 of 1,614,250 alleles (0.00019%); highest among the groups gnomAD compares: Non-Finnish European, 0.00025%; no homozygotes.

Submissions (5):

Labcorp Genetics (formerly Invitae), Labcorp
Classification: Pathogenic for Fanconi anemia. Last evaluated: 2026-01-24. Review status: criteria provided, single submitter. Criteria: Invitae Variant Classification Sherloc (09022015). Collection method: clinical testing. Allele origin: germline.
Comment: This sequence change creates a premature translational stop signal (p.Gln881*) in the FANCA gene. It is expected to result in an absent or disrupted protein product. Loss-of-function variants in FANCA are known to be pathogenic (PMID: 19367192). This variant is not present in population databases (gnomAD no frequency). This premature translational stop signal has been observed in individual(s) with Fanconi anemia (PMID: 21273304, 29098742). ClinVar contains an entry for this variant (Variation ID: 860918). Algorithms developed to predict the effect of sequence changes on RNA splicing suggest that this variant may disrupt the consensus splice site. For these reasons, this variant has been classified as Pathogenic.

Natera, Inc.
Classification: Pathogenic for Fanconi anemia. Last evaluated: 2024-07-03. Review status: criteria provided, single submitter. Criteria: Natera Variant Classification Schema (03/2026). Collection method: clinical testing. Allele origin: germline.
Comment: The c.2641C>T variant in FANCA is a nonsense variant predicted to introduce a stop codon at amino acid 881. This variant is expected to result in nonsense mediated decay, truncation, or a dysfunctional protein product. This variant is rare in the general population with a frequency below the threshold expected for the associated phenotype(s). This variant has been observed in one or more individuals affected with the associated recessive disease, as either homozygous or compound heterozygous with a second variant (PMID: 29098742). Given the available evidence, this variant is classified as Pathogenic.

Fulgent Genetics
Classification: Pathogenic for Fanconi anemia complementation group A. Last evaluated: 2024-02-07. Review status: criteria provided, single submitter. Criteria: ACMG Guidelines, 2015. Collection method: clinical testing. Allele origin: germline.

Baylor Genetics
Classification: Pathogenic for Fanconi anemia complementation group A. Last evaluated: 2023-05-23. Review status: criteria provided, single submitter. Criteria: ACMG Guidelines, 2015. Collection method: clinical testing. Allele origin: unknown.

Leiden Open Variation Database
Classification: Pathogenic for Fanconi anemia complementation group A. Last evaluated: 2020-02-28. Review status: no assertion criteria provided. Collection method: curation. Allele origin: germline. Affected: yes. Not counted in ClinVar's aggregate classification.
Comment: Curator: Arleen D. Auerbach. Submitter to LOVD: Arleen D. Auerbach.

Literature cited by the submitters: PubMed 19367192 (cited by Labcorp Genetics (formerly Invitae), Labcorp); PubMed 21273304 (cited by Labcorp Genetics (formerly Invitae), Labcorp and Leiden Open Variation Database); PubMed 29098742 (cited by Labcorp Genetics (formerly Invitae), Labcorp and Natera, Inc.).

NM_000135.4(FANCA):c.2641C>T (p.Gln881Ter)

Genes: FANCA (FA complementation group A; minus strand), LOC130059837 (ATAC-STARR-seq lymphoblastoid active region 11420; plus strand). Cytogenetic location: 16q24.3.
Variant type: single nucleotide variant.
Coding change: c.2641C>T on transcript NM_000135.4 (MANE Select); coding-DNA position 2641, C replaced by T.
Protein change: p.Gln881Ter; replaces glutamine 881 with a stop codon.
Molecular consequence: nonsense.
Genome position (GRCh38, 1-based): chr16:89,765,027, G>A on the plus strand (C>T on the coding strand, the complement: FANCA is on the minus strand). VCF-style: chr16-89765027-G-A. GRCh37 (hg19) VCF-style: chr16-89831435-G-A.
Other names: c.2641C>T, p.Gln881Ter (NM_001286167.3); c.2641C>T (NM_000135.3); short protein forms Q881*.
Identifiers: ClinVar variation 860918 (VCV000860918.15), dbSNP rs2039078843, ClinGen allele CA397438801.
Genomic context (GRCh38, chr16:89,765,027, plus strand): 5'-CAGAAGGAAGGTGCAAGGGTCTCCAGGAAAGGCTGGCTACGTCCTCCTCAGAAAGAGGCT[G>A]TCGGGCCTCTGAGAACAATCTGAACATGAGGAACTGAAACTGAAACAGAGAGTGACCCGG-3'